The following is an entry in ClinVar:

ClinVar aggregate classification (germline): Uncertain significance (1 of 4 stars; one submission).

Conditions:
Hypertrophic cardiomyopathy. Also called: HYPERTROPHIC MYOCARDIOPATHY. Identifiers: Orphanet 217569, MedGen C0007194, MeSH D002312, MONDO:0005045, HP:0001639.

Submission:

Labcorp Genetics (formerly Invitae), Labcorp
Classification: Uncertain significance for Hypertrophic cardiomyopathy. Last evaluated: 2021-07-28. Review status: criteria provided, single submitter. Criteria: Invitae Variant Classification Sherloc (09022015). Collection method: clinical testing. Allele origin: germline.
Comment: This sequence change replaces asparagine with serine at codon 293 of the MYOM1 protein (p.Asn293Ser). The asparagine residue is highly conserved and there is a small physicochemical difference between asparagine and serine. This variant is not present in population databases (ExAC no frequency). This variant has not been reported in the literature in individuals affected with MYOM1-related conditions. Algorithms developed to predict the effect of missense changes on protein structure and function output the following: SIFT: "Tolerated"; PolyPhen-2: "Benign"; Align-GVGD: "Class C0". The serine amino acid residue is found in multiple mammalian species, which suggests that this missense change does not adversely affect protein function. In summary, the available evidence is currently insufficient to determine the role of this variant in disease. Therefore, it has been classified as a Variant of Uncertain Significance.

NM_003803.4(MYOM1):c.878A>G (p.Asn293Ser)

Gene: MYOM1 (myomesin 1; minus strand). Cytogenetic location: 18p11.31.
Variant type: single nucleotide variant.
Coding change: c.878A>G on transcript NM_003803.4 (MANE Select); coding-DNA position 878, A replaced by G.
Protein change: p.Asn293Ser; replaces asparagine 293 with serine.
Molecular consequence: missense variant.
Genome position (GRCh38, 1-based): chr18:3,187,531, T>C on the plus strand (A>G on the coding strand, the complement: MYOM1 is on the minus strand). VCF-style: chr18-3187531-T-C. GRCh37 (hg19) VCF-style: chr18-3187529-T-C.
Other names: c.878A>G, p.Asn293Ser (NM_019856.2); short protein forms N293S.
Identifiers: ClinVar variation 1370755 (VCV001370755.1), dbSNP rs2144142229, ClinGen allele CA401716140.
Genomic context (GRCh38, chr18:3,187,531, plus strand): 5'-ATAACATACCACGTGACACGAGGTTCTGGCCAGCCTGCTATGGAGCAATGCAATTTTACA[T>C]TCTCCTTCTCCCAAACCGTGTGGGAGCGAGGTTTAATGATAAACTCAGGAGCATGGAGAA-3'
Protein context (NP_003794.3, residues 283-303): PRSHTVWEKE[Asn293Ser]VKLHCSIAGW